The following is an entry in ClinVar:

NM_000277.3(PAH):c.1223G>C (p.Arg408Pro)

Gene: PAH (phenylalanine hydroxylase; minus strand). Cytogenetic location: 12q23.2.
Variant type: single nucleotide variant.
Coding change: c.1223G>C on transcript NM_000277.3 (MANE Select); coding-DNA position 1223, G replaced by C.
Protein change: p.Arg408Pro; replaces arginine 408 with proline.
Molecular consequence: missense variant.
Genome position (GRCh38, 1-based): chr12:102,840,492, C>G on the plus strand (G>C on the coding strand, the complement: PAH is on the minus strand). VCF-style: chr12-102840492-C-G. GRCh37 (hg19) VCF-style: chr12-103234270-C-G.
Other names: c.1223G>C, p.Arg408Pro (NM_001354304.2); short protein forms R408P.
Identifiers: ClinVar variation 4688281 (VCV004688281.1).

ClinVar aggregate classification (germline): Uncertain significance (1 of 4 stars; one submission).

Submission:

Women's Health and Genetics/Laboratory Corporation of America, LabCorp
Classification: Uncertain significance. Last evaluated: 2025-12-15. Review status: criteria provided, single submitter. Criteria: LabCorp Variant Classification Summary - May 2015. Collection method: clinical testing. Allele origin: germline.
Comment: Variant summary: PAH c.1223G>C (p.Arg408Pro) results in a non-conservative amino acid change in the encoded protein sequence. Algorithms developed to predict the effect of missense changes on protein structure and function all suggest that this variant is likely to be disruptive. The variant was absent in 251438 control chromosomes (gnomAD). To our knowledge, no occurrence of c.1223G>C in individuals affected with PAH-related conditions and no experimental evidence demonstrating its impact on protein function have been reported. At least two different variants affecting the same codon have been classified as pathogenic by our lab (c.1222C>T, p.Arg408Trp; c.1223G>A, p.Arg408Gln), supporting the critical relevance of codon 408 to PAH protein function. No submitters have cited clinical-significance assessments for this variant to ClinVar. Based on the evidence outlined above, the variant was classified as VUS-possibly pathogenic.